The following is an entry in ClinVar:

NM_001395891.1(CLASP1):c.4198G>A (p.Ala1400Thr)

Gene: CLASP1 (cytoplasmic linker associated protein 1; minus strand). Cytogenetic location: 2q14.2.
Variant type: single nucleotide variant.
Coding change: c.4198G>A on transcript NM_001395891.1 (MANE Select); coding-DNA position 4198, G replaced by A.
Protein change: p.Ala1400Thr; replaces alanine 1400 with threonine.
Molecular consequence: missense variant.
Genome position (GRCh38, 1-based): chr2:121,363,243, C>T on the plus strand (G>A on the coding strand, the complement: CLASP1 is on the minus strand). VCF-style: chr2-121363243-C-T. GRCh37 (hg19) VCF-style: chr2-122120819-C-T.
Other names: c.3958G>A, p.Ala1320Thr (NM_001142273.2); c.3934G>A, p.Ala1312Thr (NM_001142274.2); c.3952G>A, p.Ala1318Thr (NM_001207051.2, NM_001378005.1); c.4039G>A, p.Ala1347Thr (NM_001378003.1); c.3931G>A, p.Ala1311Thr (NM_001378004.1); c.4135G>A, p.Ala1379Thr (NM_015282.3); short protein forms A1311T, A1312T, A1318T, A1320T, A1347T, A1379T, A1400T.
Identifiers: ClinVar variation 3056867 (VCV003056867.2), dbSNP rs765577807, ClinGen allele CA348181725.

ClinVar aggregate classification (germline): Uncertain significance (0 of 4 stars; one submission).

Conditions:
CLASP1-related disorder. Also called: CLASP1-related condition.

Allele frequency attached by ClinVar (database versions not stated): TOPMed below 0.00001.
gnomAD v4.1: 2 of 1,613,890 alleles (0.00012%); highest among the groups gnomAD compares: East Asian, 0.0022%; no homozygotes.

Submission:

PreventionGenetics, part of Exact Sciences
Classification: Uncertain significance for CLASP1-related condition. Last evaluated: 2023-12-15. Review status: no assertion criteria provided. Collection method: clinical testing. Allele origin: germline.
Comment: The CLASP1 c.4135G>A variant is predicted to result in the amino acid substitution p.Ala1379Thr. To our knowledge, this variant has not been reported in the literature or in a large population database, indicating this variant is rare. At this time, the clinical significance of this variant is uncertain due to the absence of conclusive functional and genetic evidence.